The following is an entry in ClinVar:

ClinVar aggregate classification (germline): Uncertain significance (1 of 4 stars; one submission).

Submission:

Labcorp Genetics (formerly Invitae), Labcorp
Classification: Uncertain significance. Last evaluated: 2022-06-25. Review status: criteria provided, single submitter. Criteria: Invitae Variant Classification Sherloc (09022015). Collection method: clinical testing. Allele origin: germline.
Comment: In summary, the available evidence is currently insufficient to determine the role of this variant in disease. Therefore, it has been classified as a Variant of Uncertain Significance. Experimental studies and prediction algorithms are not available or were not evaluated, and the functional significance of this variant is currently unknown. This variant has not been reported in the literature in individuals affected with PLVAP-related conditions. This variant is a gross deletion of the genomic region encompassing exon(s) 4-5 of the PLVAP gene. While this deletion is not anticipated to lead to nonsense mediated decay, it is expected to disrupt the C-terminus of the protein.

NC_000019.9:g.(?_17471317)_(17471661_?)del

Gene: PLVAP (plasmalemma vesicle associated protein; minus strand). Cytogenetic location: 19p13.11.
Variant type: Deletion.
Identifiers: ClinVar variation 2426967 (VCV002426967.4).